The following is an entry in ClinVar:

ClinVar aggregate classification (germline): Uncertain significance (1 of 4 stars; one submission).

Conditions:
Hereditary cancer-predisposing syndrome. Also called: Hereditary Cancer Syndrome; Hereditary neoplastic syndrome; Neoplastic Syndromes, Hereditary; Tumor predisposition. Identifiers: Orphanet 140162, MedGen C0027672, MeSH D009386, MONDO:0015356.

Submission:

Ambry Genetics
Classification: Uncertain significance for Hereditary cancer-predisposing syndrome. Last evaluated: 2025-07-08. Review status: criteria provided, single submitter. Criteria: Ambry Variant Classification Scheme 2023. Collection method: clinical testing. Allele origin: germline.
Comment: The c.512+3A>G intronic variant results from an A to G substitution 3 nucleotides after coding exon 6 in the CDC73 gene. This nucleotide position is well conserved in available vertebrate species. In silico splice site analysis predicts that this alteration will not have any significant effect on splicing. Based on the available evidence, the clinical significance of this variant remains unclear.

NM_024529.5(CDC73):c.512+3A>G

Gene: CDC73 (cell division cycle 73; plus strand). Cytogenetic location: 1q31.2.
Variant type: single nucleotide variant.
Coding change: c.512+3A>G on transcript NM_024529.5 (MANE Select); 3 bases into the intron after coding-DNA position 512, A replaced by G.
Molecular consequence: intron variant.
Genome position (GRCh38, 1-based): chr1:193,138,176, A>G. VCF-style: chr1-193138176-A-G. GRCh37 (hg19) VCF-style: chr1-193107306-A-G.
Identifiers: ClinVar variation 4223466 (VCV004223466.1).